The following is an entry in ClinVar:

ClinVar aggregate classification (germline): Uncertain significance (1 of 4 stars; one submission).

Conditions:
Gorlin syndrome. Also called: Nevoid Basal Cell Carcinoma Syndrome; Basal cell nevus syndrome. Identifiers: Orphanet 377, MedGen C0004779, MONDO:0007187.

Submission:

Labcorp Genetics (formerly Invitae), Labcorp
Classification: Uncertain significance for Gorlin syndrome. Last evaluated: 2022-08-09. Review status: criteria provided, single submitter. Criteria: Invitae Variant Classification Sherloc (09022015). Collection method: clinical testing. Allele origin: germline.
Comment: In summary, the available evidence is currently insufficient to determine the role of this variant in disease. Therefore, it has been classified as a Variant of Uncertain Significance. Advanced modeling of protein sequence and biophysical properties (such as structural, functional, and spatial information, amino acid conservation, physicochemical variation, residue mobility, and thermodynamic stability) performed at Invitae indicates that this missense variant is not expected to disrupt PTCH1 protein function. This variant has not been reported in the literature in individuals affected with PTCH1-related conditions. This variant is not present in population databases (gnomAD no frequency). This sequence change replaces isoleucine, which is neutral and non-polar, with serine, which is neutral and polar, at codon 897 of the PTCH1 protein (p.Ile897Ser).

NM_000264.5(PTCH1):c.2690T>G (p.Ile897Ser)

Gene: PTCH1 (patched 1; minus strand). Cytogenetic location: 9q22.32.
Variant type: single nucleotide variant.
Coding change: c.2690T>G on transcript NM_000264.5 (MANE Select); coding-DNA position 2690, T replaced by G.
Protein change: p.Ile897Ser; replaces isoleucine 897 with serine.
Molecular consequence: missense variant. On other transcripts: non-coding transcript variant (1).
Genome position (GRCh38, 1-based): chr9:95,461,869, A>C on the plus strand (T>G on the coding strand, the complement: PTCH1 is on the minus strand). VCF-style: chr9-95461869-A-C. GRCh37 (hg19) VCF-style: chr9-98224151-A-C.
Other names: c.2492T>G, p.Ile831Ser (NM_001083602.3); c.2687T>G, p.Ile896Ser (NM_001083603.3); c.2237T>G, p.Ile746Ser (NM_001083604.3, NM_001083605.3, NM_001083606.3 and 1 more transcripts); c.2534T>G, p.Ile845Ser (NM_001354918.2); short protein forms I845S, I897S, I746S, I831S, I896S.
Identifiers: ClinVar variation 1903336 (VCV001903336.5), dbSNP rs2136686844, ClinGen allele CA374113303.